The following is an entry in ClinVar:

ClinVar aggregate classification (germline): Uncertain significance (1 of 4 stars; one submission).

Conditions:
Mitochondrial hypertrophic cardiomyopathy with lactic acidosis due to MTO1 deficiency. Also called: Combined oxidative phosphorylation deficiency 10; CARDIOMYOPATHY, INFANTILE HYPERTROPHIC MITOCHONDRIAL, AND LACTIC ACIDOSIS. Identifiers: Orphanet 314637, MedGen C4749921, MONDO:0013865, OMIM 614702.

Allele frequency attached by ClinVar (database versions not stated): gnomAD 0.00001; TOPMed 0.00001; gnomAD exomes 0.00001; ExAC 0.00001.

Submission:

Labcorp Genetics (formerly Invitae), Labcorp
Classification: Uncertain significance for Mitochondrial hypertrophic cardiomyopathy with lactic acidosis due to MTO1 deficiency. Last evaluated: 2021-09-01. Review status: criteria provided, single submitter. Criteria: Invitae Variant Classification Sherloc (09022015). Collection method: clinical testing. Allele origin: germline.
Comment: This sequence change replaces phenylalanine with leucine at codon 438 of the MTO1 protein (p.Phe438Leu). The phenylalanine residue is moderately conserved and there is a small physicochemical difference between phenylalanine and leucine. This variant is present in population databases (rs753473168, ExAC 0.001%). This variant has not been reported in the literature in individuals affected with MTO1-related conditions. Algorithms developed to predict the effect of missense changes on protein structure and function (SIFT, PolyPhen-2, Align-GVGD) all suggest that this variant is likely to be tolerated. In summary, the available evidence is currently insufficient to determine the role of this variant in disease. Therefore, it has been classified as a Variant of Uncertain Significance.

NM_012123.4(MTO1):c.1312T>C (p.Phe438Leu)

Gene: MTO1 (mitochondrial tRNA translation optimization 1; plus strand). Cytogenetic location: 6q13.
Variant type: single nucleotide variant.
Coding change: c.1312T>C on transcript NM_012123.4 (MANE Select); coding-DNA position 1312, T replaced by C.
Protein change: p.Phe438Leu; replaces phenylalanine 438 with leucine.
Molecular consequence: missense variant.
Genome position (GRCh38, 1-based): chr6:73,482,091, T>C. VCF-style: chr6-73482091-T-C. GRCh37 (hg19) VCF-style: chr6-74191814-T-C.
Other names: c.1432T>C, p.Phe478Leu (NM_001123226.2); c.1387T>C, p.Phe463Leu (NM_133645.3); short protein forms F478L, F438L, F463L.
Identifiers: ClinVar variation 945404 (VCV000945404.7), dbSNP rs753473168, ClinGen allele CA3889617.